The following is an entry in ClinVar:

NM_000110.4(DPYD):c.1471G>T (p.Glu491Ter)

Gene: DPYD (dihydropyrimidine dehydrogenase; minus strand). Cytogenetic location: 1p21.3.
Variant type: single nucleotide variant.
Coding change: c.1471G>T on transcript NM_000110.4 (MANE Select); coding-DNA position 1471, G replaced by T.
Protein change: p.Glu491Ter; replaces glutamic acid 491 with a stop codon.
Molecular consequence: nonsense.
Genome position (GRCh38, 1-based): chr1:97,549,613, C>A on the plus strand (G>T on the coding strand, the complement: DPYD is on the minus strand). VCF-style: chr1-97549613-C-A. GRCh37 (hg19) VCF-style: chr1-98015169-C-A.
Other names: short protein forms E491*.
Identifiers: ClinVar variation 5013739 (VCV005013739.1).

ClinVar aggregate classification (germline): Pathogenic (1 of 4 stars; one submission).

Conditions:
Dihydropyrimidine dehydrogenase deficiency (DPYDD). Also called: DPD DEFICIENCY; DPYD DEFICIENCY; Hereditary Thymine-Uraciluria. Identifiers: Orphanet 1675, MedGen C1959620, MONDO:0010130, OMIM 274270.

Submission:

Myriad Genetics, Inc.
Classification: Pathogenic for Dihydropyrimidine dehydrogenase deficiency. Last evaluated: 2024-11-11. Review status: criteria provided, single submitter. Criteria: Myriad Autosomal Dominant, Autosomal Recessive and X-Linked Classification Criteria (2023). Collection method: clinical testing. Allele origin: unknown.
Comment: NM_000110.3(DPYD):c.1471G>T(E491*) is expected to be pathogenic in the context of dihydropyrimidine dehydrogenase deficiency. This variant is predicted to lead to an abnormal or absent protein product due to the creation of a premature termination codon in DPYD, a gene where loss-of-function variants are known to be pathogenic. Please note: this variant was assessed in the context of healthy population screening.